The following is an entry in ClinVar:

ClinVar aggregate classification (germline): Uncertain significance (1 of 4 stars; one submission).

Conditions:
Inborn genetic diseases. Identifiers: MedGen C0950123, MeSH D030342.

gnomAD v4.1: 1 of 1,612,448 alleles (0.000062%); highest among the groups gnomAD compares: Non-Finnish European, 0.000085%; no homozygotes.

Submission:

Ambry Genetics
Classification: Uncertain significance for Inborn genetic diseases. Last evaluated: 2025-01-18. Review status: criteria provided, single submitter. Criteria: Ambry Variant Classification Scheme 2023. Collection method: clinical testing. Allele origin: germline.
Comment: The p.G395V variant (also known as c.1184G>T), located in coding exon 1 of the SAMD9L gene, results from a G to T substitution at nucleotide position 1184. The glycine at codon 395 is replaced by valine, an amino acid with dissimilar properties. This amino acid position is conserved. In addition, the in silico prediction for this alteration is inconclusive. Based on the available evidence, the clinical significance of this variant remains unclear.

NM_152703.5(SAMD9L):c.1184G>T (p.Gly395Val)

Gene: SAMD9L (sterile alpha motif domain containing 9 like; minus strand). Cytogenetic location: 7q21.2.
Variant type: single nucleotide variant.
Coding change: c.1184G>T on transcript NM_152703.5 (MANE Select); coding-DNA position 1184, G replaced by T.
Protein change: p.Gly395Val; replaces glycine 395 with valine.
Molecular consequence: missense variant.
Genome position (GRCh38, 1-based): chr7:93,134,788, C>A on the plus strand (G>T on the coding strand, the complement: SAMD9L is on the minus strand). VCF-style: chr7-93134788-C-A. GRCh37 (hg19) VCF-style: chr7-92764101-C-A.
Other names: c.1184G>T, p.Gly395Val (NM_001303496.3, NM_001303497.3, NM_001303498.3 and 5 more transcripts); short protein forms G395V.
Identifiers: ClinVar variation 3792327 (VCV003792327.1).